The following is an entry in ClinVar:

ClinVar aggregate classification (germline): Benign/Likely benign. Review status: criteria provided, multiple submitters, no conflicts (2 of 4 stars). 2 submissions from 2 submitters: Benign (1); Likely benign (1). Last evaluated 2016-03-28.

Conditions:
Primary ciliary dyskinesia. Also called: Ciliary dyskinesia. Identifiers: Orphanet 244, MedGen C0008780, MONDO:0016575, HP:0012265.

Submissions (2):

Laboratory for Molecular Medicine, Mass General Brigham Personalized Medicine
Classification: Benign. Last evaluated: 2016-03-28. Review status: criteria provided, single submitter. Criteria: LMM Criteria. Collection method: clinical testing. Allele origin: germline.
Comment: Variant identified in a genome or exome case(s) and assessed due to predicted null impact of the variant or pathogenic assertions in the literature or databases. Disclaimer: This variant has not undergone full assessment. The following are preliminary notes: Frequency

Ambry Genetics
Classification: Likely benign for Primary ciliary dyskinesia. Last evaluated: 2015-07-30. Review status: criteria provided, single submitter. Criteria: Ambry Variant Classification Scheme 2023. Collection method: clinical testing. Allele origin: germline.

NM_001369.3(DNAH5):c.5272-16_5272-15del

Gene: DNAH5 (dynein axonemal heavy chain 5; minus strand). Cytogenetic location: 5p15.2.
Variant type: Deletion.
Coding change: c.5272-16_5272-15del on transcript NM_001369.3 (MANE Select); 16 bases into the intron before coding-DNA position 5272 through 15 bases into the intron before coding-DNA position 5272, 2 bases deleted (TT; older notation c.5272-16_5272-15delTT).
Molecular consequence: intron variant.
Genome position (GRCh38, 1-based): chr5:13,841,919-13,841,920, AA deleted on the plus strand (TT on the coding strand, the reverse complement: DNAH5 is on the minus strand); deleting any 2 consecutive bases within chr5:13,841,919-13,841,937 gives the same sequence; the c. name uses the placement nearest the transcript's 3' end. VCF-style (leftmost placement, unchanged base first): chr5-13841918-CAA-C. GRCh37 (hg19) VCF-style: chr5-13842027-CAA-C.
Other names: c.5272-16_5272-15delTT (NM_001369.2).
Identifiers: ClinVar variation 402728 (VCV000402728.5), dbSNP rs35337694, ClinGen allele CA3203719.
Genomic context (GRCh38, chr5:13,841,918, plus strand): 5'-ATCGTCTCACCCTCTTGAGAGGAAATTGACAGAATTCGATCATAGATCTATGTTAGAAAC[CAA>C]AAAAAAAAAAAAAAAAAGCTATAGTCATATAAAAAGTAAAAACTAATTATTGACTTGTCC-3'